The following is an entry in ClinVar:

NM_001077525.3(MTMR14):c.1330A>G (p.Ser444Gly)

Gene: MTMR14 (myotubularin related protein 14; plus strand). Cytogenetic location: 3p25.3.
Variant type: single nucleotide variant.
Coding change: c.1330A>G on transcript NM_001077525.3 (MANE Select); coding-DNA position 1330, A replaced by G.
Protein change: p.Ser444Gly; replaces serine 444 with glycine.
Molecular consequence: missense variant. On other transcripts: non-coding transcript variant (9).
Genome position (GRCh38, 1-based): chr3:9,688,979, A>G. VCF-style: chr3-9688979-A-G. GRCh37 (hg19) VCF-style: chr3-9730663-A-G.
Other names: c.1330A>G, p.Ser444Gly (NM_001077526.3, NM_022485.5); c.1399A>G, p.Ser467Gly (NM_001400518.1, NM_001400521.1); c.1327A>G, p.Ser443Gly (NM_001400519.1, NM_001400522.1); c.1255A>G, p.Ser419Gly (NM_001400520.1, NM_001400523.1, NM_001400528.1); c.1084A>G, p.Ser362Gly (NM_001400524.1, NM_001400527.1, NM_001400530.1); c.1048A>G, p.Ser350Gly (NM_001400525.1, NM_001400529.1, NM_001400532.1); c.1324A>G, p.Ser442Gly (NM_001400526.1); c.1081A>G, p.Ser361Gly (NM_001400531.1); and 5 more; short protein forms S157G, S361G, S419G, S443G, S444G, S230G, S337G, S350G.
Identifiers: ClinVar variation 2894335 (VCV002894335.3), dbSNP rs749113475, ClinGen allele CA2240727.

ClinVar aggregate classification (germline): Uncertain significance (1 of 4 stars; one submission).

Allele frequency attached by ClinVar (database versions not stated): gnomAD exomes below 0.00001; ExAC 0.00001.
gnomAD v4.1: 5 of 1,613,992 alleles (0.00031%); highest among the groups gnomAD compares: East Asian, 0.011%; no homozygotes.

Submission:

Labcorp Genetics (formerly Invitae), Labcorp
Classification: Uncertain significance. Last evaluated: 2023-09-30. Review status: criteria provided, single submitter. Criteria: Invitae Variant Classification Sherloc (09022015). Collection method: clinical testing. Allele origin: germline.
Comment: In summary, the available evidence is currently insufficient to determine the role of this variant in disease. Therefore, it has been classified as a Variant of Uncertain Significance. Advanced modeling of protein sequence and biophysical properties (such as structural, functional, and spatial information, amino acid conservation, physicochemical variation, residue mobility, and thermodynamic stability) performed at Invitae indicates that this missense variant is not expected to disrupt MTMR14 protein function. This variant has not been reported in the literature in individuals affected with MTMR14-related conditions. This variant is present in population databases (rs749113475, gnomAD 0.02%). This sequence change replaces serine, which is neutral and polar, with glycine, which is neutral and non-polar, at codon 444 of the MTMR14 protein (p.Ser444Gly).